The following is an entry in ClinVar:

NM_014714.4(IFT140):c.1422A>G (p.Ile474Met)

Genes: IFT140 (intraflagellar transport 140; minus strand), LOC105371046 (uncharacterized LOC105371046; plus strand). Cytogenetic location: 16p13.3.
Variant type: single nucleotide variant.
Coding change: c.1422A>G on transcript NM_014714.4 (MANE Select); coding-DNA position 1422, A replaced by G.
Protein change: p.Ile474Met; replaces isoleucine 474 with methionine.
Molecular consequence: missense variant.
Genome position (GRCh38, 1-based): chr16:1,583,324, T>C on the plus strand (A>G on the coding strand, the complement: IFT140 is on the minus strand). VCF-style: chr16-1583324-T-C. GRCh37 (hg19) VCF-style: chr16-1633325-T-C.
Other names: short protein forms I474M.
Identifiers: ClinVar variation 798222 (VCV000798222.10), dbSNP rs559293157, ClinGen allele CA7814309.

ClinVar aggregate classification (germline): Benign/Likely benign. Review status: criteria provided, multiple submitters, no conflicts (2 of 4 stars). 3 submissions from 3 submitters: Benign (1); Likely benign (2). Last evaluated 2026-08-02.

Conditions:
Saldino-Mainzer syndrome (SRTD9). Also called: CONORENAL SYNDROME; SHORT-RIB THORACIC DYSPLASIA 9 WITHOUT POLYDACTYLY; Renal dysplasia, retinal pigmentary dystrophy, cerebellar ataxia and skeletal dysplasia; short-rib thoracic dysplasia 9 with or without polydactyly. Identifiers: Orphanet 140969, MedGen C1849437, MONDO:0009964, OMIM 266920.
IFT140-related disorder. Also called: IFT140-related condition.

Allele frequency attached by ClinVar (database versions not stated): TOPMed below 0.00001; gnomAD exomes 0.00014 and 0.00027; 1000 Genomes Project 0.00020; ExAC 0.00027; 1000 Genomes Project 30x 0.00031.
gnomAD v4.1: 212 of 1,614,102 alleles (0.013%); highest among the groups gnomAD compares: South Asian, 0.23%; 4 homozygotes.

Submissions (3):

PreventionGenetics, part of Exact Sciences
Classification: Likely benign for IFT140-related condition. Last evaluated: 2026-08-02. Review status: criteria provided, single submitter. Criteria: ACMG Guidelines, 2015. Collection method: clinical testing. Allele origin: germline.
Comment: This variant is classified as likely benign based on ACMG/AMP sequence variant interpretation guidelines (Richards et al. 2015 PMID: 25741868, with internal and published modifications).

Labcorp Genetics (formerly Invitae), Labcorp
Classification: Benign for Saldino-Mainzer syndrome. Last evaluated: 2026-01-25. Review status: criteria provided, single submitter. Criteria: Invitae Variant Classification Sherloc (09022015). Collection method: clinical testing. Allele origin: germline.

Blueprint Genetics
Classification: Likely benign. Last evaluated: 2020-01-03. Review status: criteria provided, single submitter. Criteria: ACMG Guidelines, 2015. Collection method: clinical testing. Allele origin: germline.